The following is an entry in ClinVar:

NM_004667.6(HERC2):c.10242C>G (p.Val3414=)

Gene: HERC2 (HECT and RLD domain containing E3 ubiquitin protein ligase 2; minus strand). Cytogenetic location: 15q13.1.
Variant type: single nucleotide variant.
Coding change: c.10242C>G on transcript NM_004667.6 (MANE Select); coding-DNA position 10242, C replaced by G.
Protein change: p.Val3414=; no amino-acid change (valine 3414 retained).
Molecular consequence: synonymous variant.
Genome position (GRCh38, 1-based): chr15:28,168,578, G>C on the plus strand (C>G on the coding strand, the complement: HERC2 is on the minus strand). VCF-style: chr15-28168578-G-C. GRCh37 (hg19) VCF-style: chr15-28413724-G-C.
Other names: c.10242C>G (NM_004667.5).
Identifiers: ClinVar variation 2645050 (VCV002645050.26), dbSNP rs376345125, ClinGen allele CA7440915.

ClinVar aggregate classification (germline): Likely benign. Review status: criteria provided, multiple submitters, no conflicts (2 of 4 stars). 3 submissions from 3 submitters: Likely benign (2). 1 of the submissions does not count toward it. Last evaluated 2026-07-01.

Conditions:
HERC2-related disorder. Also called: HERC2-related condition.

Submissions (3):

CeGaT Center for Human Genetics Tuebingen
Classification: Likely benign. Last evaluated: 2026-07-01. Review status: criteria provided, single submitter. Criteria: CeGaT Center For Human Genetics Tuebingen Variant Classification Criteria Version 2. Collection method: clinical testing. Allele origin: germline. Affected: yes. Observed: 4 variant alleles.
Comment: HERC2: BP4, BP7

Blueprint Genetics
Classification: Likely benign. Last evaluated: 2024-08-19. Review status: criteria provided, single submitter. Criteria: ACMG Guidelines, 2015. Collection method: clinical testing. Allele origin: germline.

PreventionGenetics, part of Exact Sciences
Classification: Likely benign for HERC2-related condition. Last evaluated: 2020-02-18. Review status: no assertion criteria provided. Collection method: clinical testing. Allele origin: germline. Not counted in ClinVar's aggregate classification.
Comment: This variant is classified as likely benign based on ACMG/AMP sequence variant interpretation guidelines (Richards et al. 2015 PMID: 25741868, with internal and published modifications).